The following is an entry in ClinVar:

ClinVar aggregate classification (germline): Uncertain significance (1 of 4 stars; one submission).

Conditions:
Inborn genetic diseases. Identifiers: MedGen C0950123, MeSH D030342.

Submission:

Ambry Genetics
Classification: Uncertain significance for Inborn genetic diseases. Last evaluated: 2025-12-30. Review status: criteria provided, single submitter. Criteria: Ambry Variant Classification Scheme 2023. Collection method: clinical testing. Allele origin: germline.
Comment: The p.V444A variant (also known as c.1331T>C), located in coding exon 8 of the FANCM gene, results from a T to C substitution at nucleotide position 1331. The valine at codon 444 is replaced by alanine, an amino acid with similar properties. This amino acid position is conserved. In addition, this alteration is predicted to be tolerated by in silico analysis. Based on the available evidence, the clinical significance of this variant remains unclear.

NM_020937.4(FANCM):c.1331T>C (p.Val444Ala)

Gene: FANCM (FA complementation group M; plus strand). Cytogenetic location: 14q21.2.
Variant type: single nucleotide variant.
Coding change: c.1331T>C on transcript NM_020937.4 (MANE Select); coding-DNA position 1331, T replaced by C.
Protein change: p.Val444Ala; replaces valine 444 with alanine.
Molecular consequence: missense variant.
Genome position (GRCh38, 1-based): chr14:45,155,394, T>C. VCF-style: chr14-45155394-T-C. GRCh37 (hg19) VCF-style: chr14-45624597-T-C.
Other names: c.1253T>C, p.Val418Ala (NM_001308133.2); c.1331T>C, p.Val444Ala (NM_001308134.2); short protein forms V418A, V444A.
Identifiers: ClinVar variation 4841755 (VCV004841755.1).